The following is an entry in ClinVar:

NM_004168.4(SDHA):c.1057G>T (p.Glu353Ter)

Gene: SDHA (succinate dehydrogenase complex flavoprotein subunit A; plus strand). Cytogenetic location: 5p15.33.
Variant type: single nucleotide variant.
Coding change: c.1057G>T on transcript NM_004168.4 (MANE Select); coding-DNA position 1057, G replaced by T.
Protein change: p.Glu353Ter; replaces glutamic acid 353 with a stop codon.
Molecular consequence: nonsense.
Genome position (GRCh38, 1-based): chr5:233,638, G>T. VCF-style: chr5-233638-G-T. GRCh37 (hg19) VCF-style: chr5-233753-G-T.
Other names: c.913G>T, p.Glu305Ter (NM_001294332.2); c.1057G>T, p.Glu353Ter (NM_001330758.2); short protein forms E305*, E353*.
Identifiers: ClinVar variation 4856705 (VCV004856705.1).

ClinVar aggregate classification (germline): Pathogenic (1 of 4 stars; one submission).

Conditions:
Pheochromocytoma/paraganglioma syndrome 5. Also called: Paragangliomas 5; SDHA-Related Hereditary Paraganglioma-Pheochromocytoma Syndrome. Identifiers: Orphanet 29072, MedGen C3279992, MONDO:0013602, OMIM 614165.

Submission:

Myriad Genetics, Inc.
Classification: Pathogenic for Pheochromocytoma/paraganglioma syndrome 5. Last evaluated: 2026-03-18. Review status: criteria provided, single submitter. Criteria: Myriad Autosomal Dominant, Autosomal Recessive and X-Linked Classification Criteria (2023). Collection method: clinical testing. Allele origin: unknown.
Comment: This variant is considered pathogenic. This variant creates a termination codon and is predicted to result in premature protein truncation.